The following is an entry in ClinVar:

ClinVar aggregate classification (germline): Uncertain significance. Review status: criteria provided, multiple submitters, no conflicts (2 of 4 stars). 2 submissions from 2 submitters: Uncertain significance (2). Last evaluated 2025-06-21.

Conditions:
Hereditary cancer-predisposing syndrome. Also called: Hereditary neoplastic syndrome; Neoplastic Syndromes, Hereditary; Hereditary Cancer Syndrome; Tumor predisposition. Identifiers: Orphanet 140162, MedGen C0027672, MeSH D009386, MONDO:0015356.
Multiple endocrine neoplasia, type 1 (MEN1). Also called: MEN I; WERMER SYNDROME; Endocrine adenomatosis multiple; MEN 1; MEA I. Identifiers: Orphanet 652, MedGen C0025267, MeSH D018761, MONDO:0007540, OMIM 131100.

Submissions (2):

Ambry Genetics
Classification: Uncertain significance for Hereditary cancer-predisposing syndrome. Last evaluated: 2025-06-21. Review status: criteria provided, single submitter. Criteria: Ambry Variant Classification Scheme 2023. Collection method: clinical testing. Allele origin: germline.
Comment: The p.T9M variant (also known as c.26C>T), located in coding exon 1 of the MEN1 gene, results from a C to T substitution at nucleotide position 26. The threonine at codon 9 is replaced by methionine, an amino acid with similar properties. This amino acid position is conserved. In addition, the in silico prediction for this alteration is inconclusive. Based on the available evidence, the clinical significance of this variant remains unclear.

Labcorp Genetics (formerly Invitae), Labcorp
Classification: Uncertain significance for Multiple endocrine neoplasia, type 1. Last evaluated: 2024-07-19. Review status: criteria provided, single submitter. Criteria: Invitae Variant Classification Sherloc (09022015). Collection method: clinical testing. Allele origin: germline.
Comment: This sequence change replaces threonine, which is neutral and polar, with methionine, which is neutral and non-polar, at codon 9 of the MEN1 protein (p.Thr9Met). This variant is not present in population databases (gnomAD no frequency). This variant has not been reported in the literature in individuals affected with MEN1-related conditions. Advanced modeling of protein sequence and biophysical properties (such as structural, functional, and spatial information, amino acid conservation, physicochemical variation, residue mobility, and thermodynamic stability) performed at Invitae indicates that this missense variant is expected to disrupt MEN1 protein function with a positive predictive value of 80%. In summary, the available evidence is currently insufficient to determine the role of this variant in disease. Therefore, it has been classified as a Variant of Uncertain Significance.

NM_001370259.2(MEN1):c.26C>T (p.Thr9Met)

Gene: MEN1 (menin 1; minus strand). Cytogenetic location: 11q13.1.
Variant type: single nucleotide variant.
Coding change: c.26C>T on transcript NM_001370259.2 (MANE Select); coding-DNA position 26, C replaced by T.
Protein change: p.Thr9Met; replaces threonine 9 with methionine.
Molecular consequence: missense variant. On other transcripts: non-coding transcript variant (4).
Genome position (GRCh38, 1-based): chr11:64,810,084, G>A on the plus strand (C>T on the coding strand, the complement: MEN1 is on the minus strand). VCF-style: chr11-64810084-G-A. GRCh37 (hg19) VCF-style: chr11-64577556-G-A.
Other names: c.26C>T, p.Thr9Met (NM_001370262.2, NM_001370263.2, NM_001407142.1 and 20 more transcripts); short protein forms T9M.
Identifiers: ClinVar variation 2720630 (VCV002720630.4), dbSNP rs2497290618, ClinGen allele CA381188259.
Genomic context (GRCh38, chr11:64,810,084, plus strand): 5'-CGGCCCAGCTCGGCAGCAAACAGGCGCACCACGTCGTCGATGGAGCGCAGCGGGAACAGC[G>A]TCTTCTGGGCGGCCTTCAGCCCCATGGCGGCGGGCGGTGGGCGGCGGCCTGCAAGGCAAG-3'
Protein context (NP_001357188.2, residues 1-19): MGLKAAQK[Thr9Met]LFPLRSIDDV